The following is an entry in ClinVar:

NM_032119.4(ADGRV1):c.17340C>A (p.Val5780=)

Gene: ADGRV1 (adhesion G protein-coupled receptor V1; plus strand). Cytogenetic location: 5q14.3.
Variant type: single nucleotide variant.
Coding change: c.17340C>A on transcript NM_032119.4 (MANE Select); coding-DNA position 17340, C replaced by A.
Protein change: p.Val5780=; no amino-acid change (valine 5780 retained).
Molecular consequence: synonymous variant. On other transcripts: non-coding transcript variant (1).
Genome position (GRCh38, 1-based): chr5:90,853,419, C>A. VCF-style: chr5-90853419-C-A. GRCh37 (hg19) VCF-style: chr5-90149236-C-A.
Other names: c.17340C>A (NM_032119.3).
Identifiers: ClinVar variation 2782163 (VCV002782163.5), dbSNP rs539764491, ClinGen allele CA122809799.
Genomic context (GRCh38, chr5:90,853,419, plus strand): 5'-ACACAAGTTTGAAGGAAAGGAAGGAGATTACATTCGAATTCCAGAGAGGCTACTGGATGT[C>A]CAGGATGCAGAAATAATGGCTGGGAAAAGTACATGTAAATTAGTCCAGTTTACAGAGTAT-3'
Protein context (NP_115495.3, residues 5770-5790): YIRIPERLLD[Val5780=]QDAEIMAGKS

ClinVar aggregate classification (germline): Likely benign. Review status: criteria provided, multiple submitters, no conflicts (2 of 4 stars). 3 submissions from 3 submitters: Likely benign (3). Last evaluated 2025-06-18.

Conditions:
ADGRV1-related disorder. Also called: ADGRV1-related condition; ADGRV1-related disorders.

Allele frequency attached by ClinVar (database versions not stated): gnomAD exomes below 0.00001; TOPMed 0.00001.
gnomAD v4.1: 2 of 1,613,314 alleles (0.00012%); highest among the groups gnomAD compares: African/African-American, 0.0027%; no homozygotes.

Submissions (3):

PreventionGenetics, part of Exact Sciences
Classification: Likely benign for ADGRV1-related condition. Last evaluated: 2025-06-18. Review status: criteria provided, single submitter. Criteria: ACMG Guidelines, 2015. Collection method: clinical testing. Allele origin: germline.
Comment: This variant is classified as likely benign based on ACMG/AMP sequence variant interpretation guidelines (Richards et al. 2015 PMID: 25741868, with internal and published modifications).

Labcorp Genetics (formerly Invitae), Labcorp
Classification: Likely benign. Last evaluated: 2023-10-08. Review status: criteria provided, single submitter. Criteria: Invitae Variant Classification Sherloc (09022015). Collection method: clinical testing. Allele origin: germline.

Blueprint Genetics
Classification: Likely benign. Last evaluated: 2019-11-19. Review status: criteria provided, single submitter. Criteria: ACMG Guidelines, 2015. Collection method: clinical testing. Allele origin: germline.